The following is an entry in ClinVar:

NM_025233.7(COASY):c.483G>T (p.Val161=)

Gene: COASY (Coenzyme A synthase; plus strand). Cytogenetic location: 17q21.2.
Variant type: single nucleotide variant.
Coding change: c.483G>T on transcript NM_025233.7 (MANE Select); coding-DNA position 483, G replaced by T.
Protein change: p.Val161=; no amino-acid change (valine 161 retained).
Molecular consequence: synonymous variant.
Genome position (GRCh38, 1-based): chr17:42,563,105, G>T. VCF-style: chr17-42563105-G-T. GRCh37 (hg19) VCF-style: chr17-40715123-G-T.
Other names: c.483G>T, p.Val161= (NM_001042529.3); c.570G>T, p.Val190= (NM_001042532.4).
Identifiers: ClinVar variation 3389755 (VCV003389755.14).

ClinVar aggregate classification (germline): Likely benign (1 of 4 stars; one submission).

Submission:

CeGaT Center for Human Genetics Tuebingen
Classification: Likely benign. Last evaluated: 2024-10-01. Review status: criteria provided, single submitter. Criteria: CeGaT Center For Human Genetics Tuebingen Variant Classification Criteria Version 2. Collection method: clinical testing. Allele origin: germline. Affected: yes. Observed: 1 variant allele.
Comment: COASY: PM2:Supporting, BP4, BP7